The following is an entry in ClinVar:

NM_006218.4(PIK3CA):c.331A>G (p.Lys111Glu)

Gene: PIK3CA (phosphatidylinositol-4,5-bisphosphate 3-kinase catalytic subunit alpha; plus strand). Cytogenetic location: 3q26.32.
Variant type: single nucleotide variant.
Coding change: c.331A>G on transcript NM_006218.4 (MANE Select); coding-DNA position 331, A replaced by G.
Protein change: p.Lys111Glu; replaces lysine 111 with glutamic acid.
Molecular consequence: missense variant.
Genome position (GRCh38, 1-based): chr3:179,199,156, A>G. VCF-style: chr3-179199156-A-G. GRCh37 (hg19) VCF-style: chr3-178916944-A-G.
Other names: short protein forms K111E.
Identifiers: ClinVar variation 376482 (VCV000376482.5), dbSNP rs1057519933, ClinGen allele CA16602916.

ClinVar aggregate classification (germline): Conflicting classifications of pathogenicity. Review status: criteria provided, conflicting classifications (1 of 4 stars). 2 submissions from 2 submitters: Pathogenic (1); Uncertain significance (1). Last evaluated 2024-09-12.
ClinVar aggregate classification (somatic clinical impact): Tier I - Strong (1 of 4 stars; one submission).
ClinVar aggregate classification (oncogenicity): Likely oncogenic (1 of 4 stars; one submission).

Conditions:
Cowden syndrome 5 (CWS5). Identifiers: Orphanet 201, MedGen C3554518, MONDO:0014047, OMIM 615108.
PIK3CA related overgrowth syndrome. Also called: PIK3CA related overgrowth spectrum; PIK3CA-Related Segmental Overgrowth. Identifiers: Orphanet 530313, MedGen C4728213, MONDO:1040002.
Diffuse midline glioma, H3 K27M-mutant. Identifiers: MedGen C4289688, MONDO:0957196.
Neoplasm. Also called: tumor; Neoplasms; Neoplasm (disease). Identifiers: MedGen C0027651, MeSH D009369, MONDO:0005070, HP:0002664.

Submissions (4):

Center for Genomic Medicine, Rigshospitalet, Copenhagen University Hospital
Classification: Likely oncogenic for Neoplasm. Last evaluated: 2026-10-16. Review status: criteria provided, single submitter. Criteria: ClinGen/CGC/VICC Guidelines for Oncogenicity, 2022. Collection method: clinical testing. Allele origin: somatic. Affected: yes.

Institute for Genomic Medicine (IGM) Clinical Laboratory, Nationwide Children's Hospital
Classification: Tier I - Strong for Diffuse midline glioma, H3 K27M-mutant. Assertion type: diagnostic. Clinical significance: supports diagnosis. Last evaluated: 2025-01-27. Review status: criteria provided, single submitter. Criteria: AMP/ASCO/CAP Guidelines, 2017. Collection method: clinical testing. Allele origin: somatic. Affected: yes.
Comment: Variant has Tier I (strong) clinical significance as a diagnostic inclusion criterion in diffuse midline glioma, H3 K27M-mutant, based on the following evidence: 1) Documented in one or more cancer databases (e.g., St. Jude Pecan, COSMIC, CIViC, OncoKB). 2) Appears in one or more well-established professional guidelines (e.g., World Health Organization [WHO]; National Comprehensive Cancer Network [NCCN]) as providing diagnostic, prognostic, or therapeutic information. 3) Information in the literature supports potential biologic effect of variant (PMIDs: 22949682, 21266528). 4) Diagnostic for a specific tumor type/classification based on well-powered studies with expert-level consensus (Evidence Level B; PMIDs: 28966033, 24705251, 29763623, 24705250, 24705252, 28912153, 25219808).

Clinical Genomics Laboratory, Washington University in St. Louis
Classification: Uncertain significance for PIK3CA-related overgrowth syndrome. Last evaluated: 2024-09-12. Review status: criteria provided, single submitter. Criteria: Leon-Quintero et al. (Clin Genet. 2025). Collection method: clinical testing. Allele origin: somatic.
Comment: A PIK3CA c.331A>G (p.Lys111Glu) was identified at an allelic fraction consistent with somatic origin. This variant has been reported in a single patient with suspected congenital lipomatous overgrowth, vascular malformations, epidermal nevi and spinal (scoliosis) and/ or skeletal anomalies (CLOVES) syndrome (Lalonde E et al., PMID: 30761771) as a somatic change in a granuloma. It has also been observed in numerous patients in the cancer database COSMIC (COSV55878486). It is absent from the general population database (gnomAD v.4.1.0), indicating it is not a common variant. The PIK3CA c.331A>G (p.Lys111Glu) occurs near, but outside of, the adaptor-binding domain (ABD) of PIK3CA. The PIK3CA gene is defined by the ClinGen Brain Malformations expert panel as a gene that has a low rate of benign missense variation and where pathogenic missense variants are a common mechanism of disease. Due to limited information, and based on internally developed protocol informed by the ACMG/AMP guidelines for variant interpretation and gene-specific practices from the ClinGen Criteria Specification Registry (Leon-Quintero FZ et al., PMID: 39434542), the PIK3CA c.331A>G (p.Lys111Glu) variant is classified as being of uncertain significance.

Baylor Genetics
Classification: Pathogenic for Cowden syndrome 5. Last evaluated: 2022-11-30. Review status: criteria provided, single submitter. Criteria: ACMG Guidelines, 2015. Collection method: clinical testing. Allele origin: unknown.

Literature cited by the submitters: PubMed 22949682 (cited by Institute for Genomic Medicine (IGM) Clinical Laboratory, Nationwide Children's Hospital); PubMed 21266528 (cited by Institute for Genomic Medicine (IGM) Clinical Laboratory, Nationwide Children's Hospital); PubMed 28966033 (cited by Institute for Genomic Medicine (IGM) Clinical Laboratory, Nationwide Children's Hospital); PubMed 24705251 (cited by Institute for Genomic Medicine (IGM) Clinical Laboratory, Nationwide Children's Hospital); PubMed 29763623 (cited by Institute for Genomic Medicine (IGM) Clinical Laboratory, Nationwide Children's Hospital); PubMed 24705250 (cited by Institute for Genomic Medicine (IGM) Clinical Laboratory, Nationwide Children's Hospital); PubMed 24705252 (cited by Institute for Genomic Medicine (IGM) Clinical Laboratory, Nationwide Children's Hospital); PubMed 28912153 (cited by Institute for Genomic Medicine (IGM) Clinical Laboratory, Nationwide Children's Hospital); PubMed 25219808 (cited by Institute for Genomic Medicine (IGM) Clinical Laboratory, Nationwide Children's Hospital).